The following is an entry in ClinVar:

ClinVar aggregate classification (germline): Conflicting classifications of pathogenicity. Review status: criteria provided, conflicting classifications (1 of 4 stars). 2 submissions from 2 submitters: Uncertain significance (1); Likely benign (1). Last evaluated 2026-02-06.

Conditions:
TNK2-related disorder. Also called: TNK2-related condition.

Allele frequency attached by ClinVar (database versions not stated): gnomAD 0.00002; TOPMed 0.00014; 1000 Genomes Project 30x 0.00016.
gnomAD v4.1: 96 of 1,612,322 alleles (0.006%); highest among the groups gnomAD compares: East Asian, 0.21%; no homozygotes.

Submissions (2):

PreventionGenetics, part of Exact Sciences
Classification: Likely benign for TNK2-related condition. Last evaluated: 2026-02-06. Review status: criteria provided, single submitter. Criteria: ACMG Guidelines, 2015. Collection method: clinical testing. Allele origin: germline.
Comment: This variant is classified as likely benign based on ACMG/AMP sequence variant interpretation guidelines (Richards et al. 2015 PMID: 25741868, with internal and published modifications).

GeneDx
Classification: Uncertain significance. Last evaluated: 2016-11-21. Review status: criteria provided, single submitter. Criteria: GeneDx Variant Classification (06012015). Collection method: clinical testing. Allele origin: germline. Affected: yes.
Comment: The M966L variant in the TNK2 gene has not been reported previously as a pathogenic variant, nor as a benign variant, to our knowledge. The M966L variant was not observed in approximately 6,500 individuals of European and African American ancestry in the NHLBI Exome Sequencing Project, indicating it is not a common benign variant in these populations. The M966L variant is a conservative amino acid substitution, which is not likely to impact secondary protein structure as these residues share similar properties. This substitution occurs at a position that is not conserved. In silico analysis is inconsistent in its predictions as to whether or not the variant is damaging to the protein structure/function. We interpret M966L as a variant of uncertain significance.

NM_001382273.1(TNK2):c.2947A>T (p.Met983Leu)

Gene: TNK2 (tyrosine kinase non receptor 2; minus strand). Cytogenetic location: 3q29.
Variant type: single nucleotide variant.
Coding change: c.2947A>T on transcript NM_001382273.1 (MANE Select); coding-DNA position 2947, A replaced by T.
Protein change: p.Met983Leu; replaces methionine 983 with leucine.
Molecular consequence: missense variant. On other transcripts: non-coding transcript variant (15), intron variant (10).
Genome position (GRCh38, 1-based): chr3:195,867,255, T>A on the plus strand (A>T on the coding strand, the complement: TNK2 is on the minus strand). VCF-style: chr3-195867255-T-A. GRCh37 (hg19) VCF-style: chr3-195594126-T-A.
Other names: c.2896A>T (NM_005781.4); c.2998A>T, p.Met1000Leu (NM_001382271.1); c.3019A>T, p.Met1007Leu (NM_001382272.1); c.2947A>T, p.Met983Leu (NM_001382274.1); c.2902A>T, p.Met968Leu (NM_001386164.1, NM_001387709.1, NM_001387710.1 and 2 more transcripts); c.3043A>T, p.Met1015Leu (NM_001387707.1); c.2974A>T, p.Met992Leu (NM_001387708.1); c.2896A>T, p.Met966Leu (NM_001387713.1, NM_001387714.1, NM_005781.5); and 6 more; short protein forms M966L, M1000L, M1007L, M1015L, M968L, M983L, M992L.
Identifiers: ClinVar variation 373143 (VCV000373143.2), dbSNP rs202132773, ClinGen allele CA2775736.